The following is an entry in ClinVar:

ClinVar aggregate classification (germline): Likely benign. Review status: criteria provided, single submitter (1 of 4 stars). 2 submissions from 2 submitters: Likely benign (1). 1 of the submissions does not count toward it. Last evaluated 2025-09-14.

Conditions:
COL13A1-related disorder. Also called: COL13A1-related condition.

Allele frequency attached by ClinVar (database versions not stated): gnomAD 0.00003; TOPMed 0.00007; ExAC 0.00008; gnomAD exomes 0.00014.
gnomAD v4.1: 46 of 1,613,578 alleles (0.0029%); highest among the groups gnomAD compares: Admixed American, 0.077%; no homozygotes.

Submissions (2):

Labcorp Genetics (formerly Invitae), Labcorp
Classification: Likely benign. Last evaluated: 2025-09-14. Review status: criteria provided, single submitter. Criteria: Invitae Variant Classification Sherloc (09022015). Collection method: clinical testing. Allele origin: germline.

PreventionGenetics, part of Exact Sciences
Classification: Likely benign for COL13A1-related condition. Last evaluated: 2024-01-12. Review status: no assertion criteria provided. Collection method: clinical testing. Allele origin: germline. Not counted in ClinVar's aggregate classification.
Comment: This variant is classified as likely benign based on ACMG/AMP sequence variant interpretation guidelines (Richards et al. 2015 PMID: 25741868, with internal and published modifications).

NM_001368882.1(COL13A1):c.933C>T (p.Gly311=)

Gene: COL13A1 (collagen type XIII alpha 1 chain; plus strand). Cytogenetic location: 10q22.1.
Variant type: single nucleotide variant.
Coding change: c.933C>T on transcript NM_001368882.1 (MANE Select); coding-DNA position 933, C replaced by T.
Protein change: p.Gly311=; no amino-acid change (glycine 311 retained).
Molecular consequence: synonymous variant.
Genome position (GRCh38, 1-based): chr10:69,917,300, C>T. VCF-style: chr10-69917300-C-T. GRCh37 (hg19) VCF-style: chr10-71677056-C-T.
Other names: c.963C>T, p.Gly321= (NM_001130103.2); c.933C>T, p.Gly311= (NM_001320951.2, NM_001368884.1); c.897C>T, p.Gly299= (NM_001368883.1, NM_001368885.1, NM_080801.4 and 1 more transcripts); c.333C>T, p.Gly111= (NM_001368886.1); c.843C>T, p.Gly281= (NM_001368895.1); c.792C>T, p.Gly264= (NM_001368896.1, NM_001368898.1, NM_080798.4); c.819C>T, p.Gly273= (NM_001368897.1); c.906C>T, p.Gly302= (NM_080800.4); and 1 more.
Identifiers: ClinVar variation 725153 (VCV000725153.10), dbSNP rs771385632, ClinGen allele CA5534508.